The following is an entry in ClinVar:

ClinVar aggregate classification (germline): Benign. Review status: reviewed by expert panel (3 of 4 stars). 2 submissions from 2 submitters: Benign (1). 1 of the submissions does not count toward it. Last evaluated 2016-09-28.

Conditions:
Breast-ovarian cancer, familial, susceptibility to, 2 (BROVCA2). Also called: BRCA2 Hereditary Breast and Ovarian Cancer. Identifiers: Orphanet 145, MedGen C2675520, MONDO:0012933, OMIM 612555. Disease mechanism: loss of function.

Submissions (2):

Evidence-based Network for the Interpretation of Germline Mutant Alleles (ENIGMA)
Classification: Benign for Breast-ovarian cancer, familial, susceptibility to, 2. Last evaluated: 2016-09-28. Review status: reviewed by expert panel. Criteria: ENIGMA BRCA1/2 Classification Criteria (2015). Collection method: curation. Allele origin: germline.
Comment: Class 1 not pathogenic based on frequency >1% in an outbred sampleset. Frequency 0.0136 (African), derived from 1000 genomes (2013-05-02).

GeneDx
Classification: Likely benign. Last evaluated: 2018-06-26. Review status: criteria provided, single submitter. Criteria: GeneDx Variant Classification Process June 2021. Collection method: clinical testing. Allele origin: germline. Affected: yes. Not counted in ClinVar's aggregate classification.

NM_000059.4(BRCA2):c.9649-214_9649-211del

Gene: BRCA2 (BRCA2 DNA repair associated; plus strand). Cytogenetic location: 13q13.1.
Variant type: Microsatellite.
Coding change: c.9649-214_9649-211del on transcript NM_000059.4 (MANE Select); 214 bases into the intron before coding-DNA position 9649 through 211 bases into the intron before coding-DNA position 9649, 4 bases deleted (CCTT; older notation c.9649-214_9649-211delCCTT).
Molecular consequence: intron variant.
Genome position (GRCh38, 1-based): chr13:32,397,948-32,397,951, CCTT deleted; deleting any 4 consecutive bases within chr13:32,397,941-32,397,951 gives the same sequence; the c. name uses the placement nearest the transcript's 3' end. VCF-style (leftmost placement, unchanged base first): chr13-32397940-TCTTC-T. GRCh37 (hg19) VCF-style: chr13-32972077-TCTTC-T.
Identifiers: ClinVar variation 264920 (VCV000264920.4), dbSNP rs573737764, ClinGen allele CA10588177.